The following is an entry in ClinVar:

NM_001009944.3(PKD1):c.2684C>A (p.Ser895Ter)

Gene: PKD1 (polycystin 1, transient receptor potential channel interacting; minus strand). Cytogenetic location: 16p13.3.
Variant type: single nucleotide variant.
Coding change: c.2684C>A on transcript NM_001009944.3 (MANE Select); coding-DNA position 2684, C replaced by A.
Protein change: p.Ser895Ter; replaces serine 895 with a stop codon.
Molecular consequence: nonsense.
Genome position (GRCh38, 1-based): chr16:2,114,339, G>T on the plus strand (C>A on the coding strand, the complement: PKD1 is on the minus strand). VCF-style: chr16-2114339-G-T. GRCh37 (hg19) VCF-style: chr16-2164340-G-T.
Other names: c.2684C>A, p.Ser895Ter (NM_000296.4); short protein forms S895*.
Identifiers: ClinVar variation 1723653 (VCV001723653.2), dbSNP rs2544852332, ClinGen allele CA394387090.

ClinVar aggregate classification (germline): Pathogenic (1 of 4 stars; one submission).

Submission:

GeneDx
Classification: Pathogenic. Last evaluated: 2022-11-10. Review status: criteria provided, single submitter. Criteria: GeneDx Variant Classification Process June 2021. Collection method: clinical testing. Allele origin: germline. Affected: yes.
Comment: Nonsense variant predicted to result in protein truncation or nonsense mediated decay in a gene for which loss-of-function is a known mechanism of disease; Not observed in large population cohorts (gnomAD); Has not been previously published as pathogenic or benign to our knowledge